The following is an entry in ClinVar:

NM_005956.4(MTHFD1):c.797G>A (p.Ser266Asn)

Gene: MTHFD1 (methylenetetrahydrofolate dehydrogenase, cyclohydrolase and formyltetrahydrofolate synthetase 1; plus strand). Cytogenetic location: 14q23.3.
Variant type: single nucleotide variant.
Coding change: c.797G>A on transcript NM_005956.4 (MANE Select); coding-DNA position 797, G replaced by A.
Protein change: p.Ser266Asn; replaces serine 266 with asparagine.
Molecular consequence: missense variant.
Genome position (GRCh38, 1-based): chr14:64,424,873, G>A. VCF-style: chr14-64424873-G-A. GRCh37 (hg19) VCF-style: chr14-64891591-G-A.
Other names: c.797G>A, p.Ser266Asn (NM_001364837.1); short protein forms S266N.
Identifiers: ClinVar variation 2110491 (VCV002110491.4), dbSNP rs2550500756, ClinGen allele CA389983649.

ClinVar aggregate classification (germline): Uncertain significance (1 of 4 stars; one submission).

Allele frequency attached by ClinVar (database versions not stated): gnomAD exomes below 0.00001.
gnomAD v4.1: 5 of 1,614,224 alleles (0.00031%); highest among the groups gnomAD compares: East Asian, 0.0022%; no homozygotes.

Submission:

Labcorp Genetics (formerly Invitae), Labcorp
Classification: Uncertain significance. Last evaluated: 2022-07-22. Review status: criteria provided, single submitter. Criteria: Invitae Variant Classification Sherloc (09022015). Collection method: clinical testing. Allele origin: germline.
Comment: In summary, the available evidence is currently insufficient to determine the role of this variant in disease. Therefore, it has been classified as a Variant of Uncertain Significance. Algorithms developed to predict the effect of missense changes on protein structure and function (SIFT, PolyPhen-2, Align-GVGD) all suggest that this variant is likely to be tolerated. This variant has not been reported in the literature in individuals affected with MTHFD1-related conditions. This variant is not present in population databases (gnomAD no frequency). This sequence change replaces serine, which is neutral and polar, with asparagine, which is neutral and polar, at codon 266 of the MTHFD1 protein (p.Ser266Asn).